The following is an entry in ClinVar:

ClinVar aggregate classification (germline): Likely pathogenic (1 of 4 stars; one submission).

Conditions:
Hereditary cancer-predisposing syndrome. Also called: Tumor predisposition; Hereditary Cancer Syndrome; Hereditary neoplastic syndrome; Neoplastic Syndromes, Hereditary. Identifiers: Orphanet 140162, MedGen C0027672, MeSH D009386, MONDO:0015356.

Submission:

Ambry Genetics
Classification: Likely pathogenic for Hereditary cancer-predisposing syndrome. Last evaluated: 2025-11-26. Review status: criteria provided, single submitter. Criteria: Ambry Variant Classification Scheme 2023. Collection method: clinical testing. Allele origin: germline.
Comment: The c.1168delG variant, located in coding exon 9 of the STK11 gene, results from a deletion of one nucleotide at nucleotide position 1168, causing a translational frameshift with a predicted alternate stop codon (p.V390Cfs*3). This variant is considered to be rare based on population cohorts in the Genome Aggregation Database (gnomAD). This alteration is expected to result in loss of function by premature protein truncation or nonsense-mediated mRNA decay. Based on the majority of available evidence to date, this variant is likely to be pathogenic.

NM_000455.5(STK11):c.1168del (p.Val390fs)

Gene: STK11 (serine/threonine kinase 11; plus strand). Cytogenetic location: 19p13.3.
Variant type: Deletion.
Coding change: c.1168del on transcript NM_000455.5 (MANE Select); coding-DNA position 1168, one base deleted (G; older notation c.1168delG).
Protein change: p.Val390fs; shifts the reading frame from valine 390.
Molecular consequence: frameshift variant. On other transcripts: non-coding transcript variant (1).
Genome position (GRCh38, 1-based): chr19:1,226,513, G deleted. VCF-style (leftmost placement, unchanged base first): chr19-1226512-CG-C. GRCh37 (hg19) VCF-style: chr19-1226511-CG-C.
Other names: short protein forms V390fs.
Identifiers: ClinVar variation 4551405 (VCV004551405.1).